The following is an entry in ClinVar:

ClinVar aggregate classification (germline): Likely benign. Review status: criteria provided, multiple submitters, no conflicts (2 of 4 stars). 7 submissions from 7 submitters: Likely benign (3). 4 of the submissions do not count toward it. Last evaluated 2026-01-26.

Conditions:
DST-related disorder. Also called: DST-related disorders; DST-related condition.
Epidermolysis bullosa simplex 3, localized or generalized intermediate, with BP230 deficiency (EBS3). Also called: Epidermolysis bullosa simplex, autosomal recessive 2; Epidermolysis bullosa simplex due to BP230 deficiency. Identifiers: Orphanet 412181, MedGen C3809470, MONDO:0014180, OMIM 615425.
Hereditary sensory and autonomic neuropathy type 6. Also called: HSAN VI; Neuropathy, hereditary sensory and autonomic, type VI. Identifiers: Orphanet 314381, MedGen C3539003, MONDO:0013839, OMIM 614653.

Allele frequency attached by ClinVar (database versions not stated): 1000 Genomes Project 0.00060; 1000 Genomes Project 30x 0.00062; gnomAD 0.00107 and 0.00109; gnomAD exomes 0.00113 and 0.00147; ESP Exome Variant Server 0.00115; TOPMed 0.00116; ExAC 0.00159.
gnomAD v4.1: 1,816 of 1,613,976 alleles (0.11%); highest among the groups gnomAD compares: Middle Eastern, 0.4%; 2 homozygotes.

Submissions (7):

Labcorp Genetics (formerly Invitae), Labcorp
Classification: Likely benign for Epidermolysis bullosa simplex 3, localized or generalized intermediate, with BP230 deficiency; Hereditary sensory and autonomic neuropathy type 6. Last evaluated: 2026-01-26. Review status: criteria provided, single submitter. Criteria: Invitae Variant Classification Sherloc (09022015). Collection method: clinical testing. Allele origin: germline.

Women's Health and Genetics/Laboratory Corporation of America, LabCorp
Classification: Likely benign. Last evaluated: 2026-01-19. Review status: criteria provided, single submitter. Criteria: LabCorp Variant Classification Summary - May 2015. Collection method: clinical testing. Allele origin: germline.
Comment: Variant summary: DST c.6401C>T (p.Thr2134Met) results in a non-conservative amino acid change in the encoded protein sequence. Algorithms developed to predict the effect of missense changes on protein structure and function are either unavailable or do not agree on the potential impact of this missense change. The variant allele was found at a frequency of 0.0015 in 250844 control chromosomes in the gnomAD database, including 1 homozygote. The observed variant frequency exceeds the estimated maximal expected allele frequency for disease-causing variants in DST. To our knowledge, no occurrence of c.6401C>T in individuals affected with DST-related conditions and no experimental evidence demonstrating its impact on protein function have been reported. ClinVar contains an entry for this variant (Variation ID: 474540). Based on the evidence outlined above, the variant was classified as likely benign.

Blueprint Genetics
Classification: Likely benign. Last evaluated: 2024-11-07. Review status: criteria provided, single submitter. Criteria: ACMG Guidelines, 2015. Collection method: clinical testing. Allele origin: germline.

PreventionGenetics, part of Exact Sciences
Classification: Likely benign for DST-related condition. Last evaluated: 2024-09-12. Review status: no assertion criteria provided. Collection method: clinical testing. Allele origin: germline. Not counted in ClinVar's aggregate classification.
Comment: This variant is classified as likely benign based on ACMG/AMP sequence variant interpretation guidelines (Richards et al. 2015 PMID: 25741868, with internal and published modifications).

Clinical Genetics DNA and cytogenetics Diagnostics Lab, Erasmus MC, Erasmus Medical Center
Classification: Likely benign. Review status: no assertion criteria provided. Collection method: clinical testing. Allele origin: germline. Affected: yes. Study: VKGL Data-share Consensus. Not counted in ClinVar's aggregate classification.

Clinical Genetics, Academic Medical Center
Classification: Likely benign. Review status: no assertion criteria provided. Collection method: clinical testing. Allele origin: germline. Affected: yes. Study: VKGL Data-share Consensus. Not counted in ClinVar's aggregate classification.

Genome Diagnostics Laboratory, University Medical Center Utrecht
Classification: Likely benign. Review status: no assertion criteria provided. Collection method: clinical testing. Allele origin: germline. Affected: yes. Study: VKGL Data-share Consensus. Not counted in ClinVar's aggregate classification.

NM_001723.7(DST):c.6401C>T (p.Thr2134Met)

Gene: DST (dystonin; minus strand). Cytogenetic location: 6p12.1.
Variant type: single nucleotide variant.
Coding change: c.6401C>T on transcript NM_001723.7 (MANE Plus Clinical); coding-DNA position 6401, C replaced by T.
Protein change: p.Thr2134Met; replaces threonine 2134 with methionine.
Molecular consequence: missense variant. On other transcripts: intron variant (10).
Genome position (GRCh38, 1-based): chr6:56,617,066, G>A on the plus strand (C>T on the coding strand, the complement: DST is on the minus strand). VCF-style: chr6-56617066-G-A. GRCh37 (hg19) VCF-style: chr6-56481864-G-A.
Other names: c.4831-2582C>T (NM_001144769.5); c.4930-2582C>T (NM_001374722.1, NM_001374736.1); c.4957-2582C>T (NM_001374734.1); c.4417-2582C>T (NM_001144770.2); c.4297-2582C>T (NM_001374730.1, NM_001386100.1, NM_183380.4 and 1 more transcripts); c.3319-2582C>T (NM_015548.5); short protein forms T2134M.
Identifiers: ClinVar variation 474540 (VCV000474540.22), dbSNP rs115983672, ClinGen allele CA3870175.